The following is an entry in ClinVar:

NM_003803.4(MYOM1):c.1316C>G (p.Pro439Arg)

Gene: MYOM1 (myomesin 1; minus strand). Cytogenetic location: 18p11.31.
Variant type: single nucleotide variant.
Coding change: c.1316C>G on transcript NM_003803.4 (MANE Select); coding-DNA position 1316, C replaced by G.
Protein change: p.Pro439Arg; replaces proline 439 with arginine.
Molecular consequence: missense variant.
Genome position (GRCh38, 1-based): chr18:3,168,840, G>C on the plus strand (C>G on the coding strand, the complement: MYOM1 is on the minus strand). VCF-style: chr18-3168840-G-C. GRCh37 (hg19) VCF-style: chr18-3168838-G-C.
Other names: c.1316C>G, p.Pro439Arg (NM_019856.2); short protein forms P439R.
Identifiers: ClinVar variation 2009064 (VCV002009064.4), dbSNP rs2510692214, ClinGen allele CA401715149.
Genomic context (GRCh38, chr18:3,168,840, plus strand): 5'-ATAAGAACCTAAGTGAGCATTCATTGTAAAGACTCACCGTTTCTGTACCACTGGATCTCT[G>C]GCTGGAAATGTTTAATTTCAGGAGTGATGACAACACGACAGCCTAGACTCATTGTCTCTC-3'
Protein context (NP_003794.3, residues 429-449): VITPEIKHFQ[Pro439Arg]EIQWYRNGVP

ClinVar aggregate classification (germline): Uncertain significance (1 of 4 stars; one submission).

Conditions:
Hypertrophic cardiomyopathy. Also called: HYPERTROPHIC MYOCARDIOPATHY. Identifiers: Orphanet 217569, MedGen C0007194, MeSH D002312, MONDO:0005045, HP:0001639.

Submission:

Labcorp Genetics (formerly Invitae), Labcorp
Classification: Uncertain significance for Hypertrophic cardiomyopathy. Last evaluated: 2022-06-22. Review status: criteria provided, single submitter. Criteria: Invitae Variant Classification Sherloc (09022015). Collection method: clinical testing. Allele origin: germline.
Comment: Algorithms developed to predict the effect of missense changes on protein structure and function are either unavailable or do not agree on the potential impact of this missense change (SIFT: "Tolerated"; PolyPhen-2: "Probably Damaging"; Align-GVGD: "Class C0"). In summary, the available evidence is currently insufficient to determine the role of this variant in disease. Therefore, it has been classified as a Variant of Uncertain Significance. This variant has not been reported in the literature in individuals affected with MYOM1-related conditions. This variant is not present in population databases (gnomAD no frequency). This sequence change replaces proline, which is neutral and non-polar, with arginine, which is basic and polar, at codon 439 of the MYOM1 protein (p.Pro439Arg).